The following is an entry in ClinVar:

ClinVar aggregate classification (germline): Pathogenic (1 of 4 stars; one submission).

Submission:

Labcorp Genetics (formerly Invitae), Labcorp
Classification: Pathogenic. Last evaluated: 2024-08-20. Review status: criteria provided, single submitter. Criteria: Invitae Variant Classification Sherloc (09022015). Collection method: clinical testing. Allele origin: germline.
Comment: This sequence change creates a premature translational stop signal (p.Asp131Glyfs*18) in the PDZD7 gene. It is expected to result in an absent or disrupted protein product. Loss-of-function variants in PDZD7 are known to be pathogenic (PMID: 20440071). This variant is not present in population databases (gnomAD no frequency). This variant has not been reported in the literature in individuals affected with PDZD7-related conditions. For these reasons, this variant has been classified as Pathogenic.

Literature cited by the submitters: PubMed 20440071.

NM_001195263.2(PDZD7):c.391dup (p.Asp131fs)

Gene: PDZD7 (PDZ domain containing 7; minus strand). Cytogenetic location: 10q24.31.
Variant type: Duplication.
Coding change: c.391dup on transcript NM_001195263.2 (MANE Select); coding-DNA position 391, one base duplicated (G; older notation c.391dupG).
Protein change: p.Asp131fs; shifts the reading frame from aspartic acid 131.
Molecular consequence: frameshift variant.
Genome position (GRCh38, 1-based): chr10:101,023,587, C duplicated on the plus strand (G on the coding strand, the reverse complement: PDZD7 is on the minus strand); the first of 5 consecutive C bases (chr10:101,023,587-101,023,591); duplicating any one gives the same sequence. VCF-style (leftmost placement, unchanged base first): chr10-101023586-T-TC. GRCh37 (hg19) VCF-style: chr10-102783343-T-TC.
Other names: c.391dup, p.Asp131fs (NM_001351044.2, NM_024895.5); short protein forms D131fs.
Identifiers: ClinVar variation 3660278 (VCV003660278.2).